The following is an entry in ClinVar:

ClinVar aggregate classification (germline): Conflicting classifications of pathogenicity. Review status: criteria provided, conflicting classifications (1 of 4 stars). 5 submissions from 5 submitters: Uncertain significance (2); Likely benign (2). 1 of the submissions does not count toward it. Last evaluated 2026-01-18.

Conditions:
NOTCH1-related disorder. Also called: NOTCH1-related condition; NOTCH1-related disorders.
Familial thoracic aortic aneurysm and aortic dissection (TAAD). Also called: Thoracic aortic aneurysms and dissections. Identifiers: Orphanet 91387, MedGen C4707243, MONDO:0019625.
Adams-Oliver syndrome 5 (AOS5). Identifiers: Orphanet 974, MedGen C4014970, MONDO:0014459, OMIM 616028.

Allele frequency attached by ClinVar (database versions not stated): ExAC 0.00005; gnomAD exomes 0.00002 and 0.00005; 1000 Genomes Project 30x 0.00016; gnomAD 0.00020 and 0.00021; ESP Exome Variant Server 0.00024; 1000 Genomes Project 0.00020; TOPMed 0.00022.
gnomAD v4.1: 65 of 1,600,130 alleles (0.0041%); highest among the groups gnomAD compares: African/African-American, 0.083%; no homozygotes.

Submissions (5):

Labcorp Genetics (formerly Invitae), Labcorp
Classification: Likely benign for Adams-Oliver syndrome 5. Last evaluated: 2026-01-18. Review status: criteria provided, single submitter. Criteria: Invitae Variant Classification Sherloc (09022015). Collection method: clinical testing. Allele origin: germline.

Ambry Genetics
Classification: Uncertain significance for Familial thoracic aortic aneurysm and aortic dissection. Last evaluated: 2025-11-25. Review status: criteria provided, single submitter. Criteria: Ambry Variant Classification Scheme 2023. Collection method: clinical testing. Allele origin: germline.
Comment: The p.F2433S variant (also known as c.7298T>C), located in coding exon 34 of the NOTCH1 gene, results from a T to C substitution at nucleotide position 7298. The phenylalanine at codon 2433 is replaced by serine, an amino acid with highly dissimilar properties. This amino acid position is highly conserved in available vertebrate species. In addition, the in silico prediction for this alteration is inconclusive. Based on the available evidence, the clinical significance of this variant remains unclear.

Women's Health and Genetics/Laboratory Corporation of America, LabCorp
Classification: Likely benign. Last evaluated: 2025-07-21. Review status: criteria provided, single submitter. Criteria: LabCorp Variant Classification Summary - May 2015. Collection method: clinical testing. Allele origin: germline.
Comment: Variant summary: NOTCH1 c.7298T>C (p.Phe2433Ser) results in a non-conservative amino acid change in the encoded protein sequence. Algorithms developed to predict the effect of missense changes on protein structure and function are either unavailable or do not agree on the potential impact of this missense change. The variant allele was found at a frequency of 5.1e-05 in 233964 control chromosomes, predominantly at a frequency of 0.00081 within the African or African-American subpopulation in the gnomAD database. The observed variant frequency within African or African-American control individuals in the gnomAD database is approximately 1296 fold of the estimated maximal expected allele frequency for a pathogenic variant in NOTCH1 causing Adams-Oliver Syndrome 5 phenotype (6.3e-07). To our knowledge, no occurrence of c.7298T>C in individuals affected with Adams-Oliver Syndrome 5 and no experimental evidence demonstrating its impact on protein function have been reported. ClinVar contains an entry for this variant (Variation ID: 664817). Based on the evidence outlined above, the variant was classified as likely benign.

GeneDx
Classification: Uncertain significance. Last evaluated: 2024-10-17. Review status: criteria provided, single submitter. Criteria: GeneDx Variant Classification Process June 2021. Collection method: clinical testing. Allele origin: germline.
Comment: Has not been previously published as pathogenic or benign to our knowledge; In silico analysis supports that this missense variant has a deleterious effect on protein structure/function

PreventionGenetics, part of Exact Sciences
Classification: Likely benign for NOTCH1-related condition. Last evaluated: 2024-06-10. Review status: no assertion criteria provided. Collection method: clinical testing. Allele origin: germline. Not counted in ClinVar's aggregate classification.
Comment: This variant is classified as likely benign based on ACMG/AMP sequence variant interpretation guidelines (Richards et al. 2015 PMID: 25741868, with internal and published modifications).

Literature cited by the submitters: PubMed 24943832 (cited by Women's Health and Genetics/Laboratory Corporation of America, LabCorp); PubMed 16614245 (cited by Women's Health and Genetics/Laboratory Corporation of America, LabCorp); PubMed 21670202 (cited by Women's Health and Genetics/Laboratory Corporation of America, LabCorp); PubMed 22210878 (cited by Women's Health and Genetics/Laboratory Corporation of America, LabCorp); PubMed 19635999 (cited by Women's Health and Genetics/Laboratory Corporation of America, LabCorp); PubMed 26837699 (cited by Women's Health and Genetics/Laboratory Corporation of America, LabCorp); PubMed 23086750 (cited by Women's Health and Genetics/Laboratory Corporation of America, LabCorp); PubMed 19245433 (cited by Women's Health and Genetics/Laboratory Corporation of America, LabCorp); PubMed 22077063 (cited by Women's Health and Genetics/Laboratory Corporation of America, LabCorp); PubMed 15472075 (cited by Women's Health and Genetics/Laboratory Corporation of America, LabCorp); PubMed 23734977 (cited by Women's Health and Genetics/Laboratory Corporation of America, LabCorp); PubMed 22858860 (cited by Women's Health and Genetics/Laboratory Corporation of America, LabCorp).

NM_017617.5(NOTCH1):c.7298T>C (p.Phe2433Ser)

Gene: NOTCH1 (notch receptor 1; minus strand). Cytogenetic location: 9q34.3.
Variant type: single nucleotide variant.
Coding change: c.7298T>C on transcript NM_017617.5 (MANE Select); coding-DNA position 7298, T replaced by C.
Protein change: p.Phe2433Ser; replaces phenylalanine 2433 with serine.
Molecular consequence: missense variant.
Genome position (GRCh38, 1-based): chr9:136,496,441, A>G on the plus strand (T>C on the coding strand, the complement: NOTCH1 is on the minus strand). VCF-style: chr9-136496441-A-G. GRCh37 (hg19) VCF-style: chr9-139390893-A-G.
Other names: c.7298T>C, p.Phe2433Ser (LRG_1122t1); c.7298T>C (NM_017617.4); short protein forms F2433S.
Identifiers: ClinVar variation 664817 (VCV000664817.16), dbSNP rs201493851, ClinGen allele CA5339703.